The following is an entry in ClinVar:

ClinVar aggregate classification (germline): Uncertain significance. Review status: criteria provided, multiple submitters, no conflicts (2 of 4 stars). 4 submissions from 4 submitters: Uncertain significance (4). Last evaluated 2025-01-23.

Conditions:
Hereditary nonpolyposis colorectal neoplasms. Identifiers: MedGen C0009405, MeSH D003123.
Hereditary cancer-predisposing syndrome. Also called: Hereditary Cancer Syndrome; Hereditary neoplastic syndrome; Neoplastic Syndromes, Hereditary; Tumor predisposition. Identifiers: Orphanet 140162, MedGen C0027672, MeSH D009386, MONDO:0015356.
Endometrial carcinoma. Also called: Endometrial carcinoma, somatic. Identifiers: MedGen C0476089, MONDO:0002447, OMIM 608089, HP:0012114.

Allele frequency attached by ClinVar (database versions not stated): gnomAD 0.00001.
gnomAD v4.1: 2 of 1,501,440 alleles (0.00013%); highest among the groups gnomAD compares: Non-Finnish European, 0.000089%; no homozygotes.

Submissions (4):

Ambry Genetics
Classification: Uncertain significance for Hereditary cancer-predisposing syndrome. Last evaluated: 2025-01-23. Review status: criteria provided, single submitter. Criteria: Ambry Variant Classification Scheme 2023. Collection method: clinical testing. Allele origin: germline.
Comment: The p.K68R variant (also known as c.203A>G), located in coding exon 1 of the MSH6 gene, results from an A to G substitution at nucleotide position 203. The lysine at codon 68 is replaced by arginine, an amino acid with highly similar properties. This amino acid position is poorly conserved in available vertebrate species. In addition, this alteration is predicted to be tolerated by in silico analysis. Since supporting evidence is limited at this time, the clinical significance of this alteration remains unclear.

Color Diagnostics, LLC DBA Color Health
Classification: Uncertain significance for Hereditary cancer-predisposing syndrome. Last evaluated: 2023-12-04. Review status: criteria provided, single submitter. Criteria: ACMG Guidelines, 2015. Collection method: clinical testing. Allele origin: germline.
Comment: This missense variant replaces lysine with arginine at codon 68 of the MSH6 protein. Computational prediction suggests that this variant may not impact protein structure and function (internally defined REVEL score threshold <= 0.5, PMID: 27666373). To our knowledge, functional studies have not been reported for this variant. This variant has not been reported in individuals affected with MSH6-related disorders in the literature. This variant has not been identified in the general population by the Genome Aggregation Database (gnomAD). The available evidence is insufficient to determine the role of this variant in disease conclusively. Therefore, this variant is classified as a Variant of Uncertain Significance.

Labcorp Genetics (formerly Invitae), Labcorp
Classification: Uncertain significance for Hereditary nonpolyposis colorectal neoplasms. Last evaluated: 2023-09-26. Review status: criteria provided, single submitter. Criteria: Invitae Variant Classification Sherloc (09022015). Collection method: clinical testing. Allele origin: germline.
Comment: This sequence change replaces lysine, which is basic and polar, with arginine, which is basic and polar, at codon 68 of the MSH6 protein (p.Lys68Arg). This variant is not present in population databases (gnomAD no frequency). This variant has not been reported in the literature in individuals affected with MSH6-related conditions. ClinVar contains an entry for this variant (Variation ID: 216303). Advanced modeling of protein sequence and biophysical properties (such as structural, functional, and spatial information, amino acid conservation, physicochemical variation, residue mobility, and thermodynamic stability) performed at Invitae indicates that this missense variant is not expected to disrupt MSH6 protein function. In summary, the available evidence is currently insufficient to determine the role of this variant in disease. Therefore, it has been classified as a Variant of Uncertain Significance.

Baylor Genetics
Classification: Uncertain significance for Endometrial carcinoma. Last evaluated: 2023-06-15. Review status: criteria provided, single submitter. Criteria: ACMG Guidelines, 2015. Collection method: clinical testing. Allele origin: unknown.

NM_000179.3(MSH6):c.203A>G (p.Lys68Arg)

Gene: MSH6 (mutS homolog 6; plus strand). Cytogenetic location: 2p16.3.
Variant type: single nucleotide variant.
Coding change: c.203A>G on transcript NM_000179.3 (MANE Select); coding-DNA position 203, A replaced by G.
Protein change: p.Lys68Arg; replaces lysine 68 with arginine.
Molecular consequence: missense variant. On other transcripts: 5 prime UTR variant (1).
Genome position (GRCh38, 1-based): chr2:47,783,436, A>G. VCF-style: chr2-47783436-A-G. GRCh37 (hg19) VCF-style: chr2-48010575-A-G.
Other names: c.203A>G, p.Lys68Arg (NM_001281492.2); c.-534A>G (NM_001281493.2); short protein forms K68R.
Identifiers: ClinVar variation 216303 (VCV000216303.20), dbSNP rs863224620, ClinGen allele CA337166.
Genomic context (GRCh38, chr2:47,783,436, plus strand): 5'-CGGCCTGGAGCGAGGCTGGGCCTGGGCCCAGGCCCTTGGCGCGCTCCGCGTCACCGCCCA[A>G]GGCGAAGAACCTCAACGGAGGGCTGCGGAGATCGGTAGCGCCTGCTGCCCCCACCAGGTA-3'
Protein context (NP_000170.1, residues 58-78): RPLARSASPP[Lys68Arg]AKNLNGGLRR